The following is an entry in ClinVar:

ClinVar aggregate classification (germline): Uncertain significance (1 of 4 stars; one submission).

Conditions:
Inborn genetic diseases. Identifiers: MedGen C0950123, MeSH D030342.

Allele frequency attached by ClinVar (database versions not stated): gnomAD exomes below 0.00001.
gnomAD v4.1: 1 of 1,614,098 alleles (0.000062%); highest among the groups gnomAD compares: Non-Finnish European, 0.000085%; no homozygotes.

Submission:

Ambry Genetics
Classification: Uncertain significance for Inborn genetic diseases. Last evaluated: 2023-05-26. Review status: criteria provided, single submitter. Criteria: Ambry Variant Classification Scheme 2023. Collection method: clinical testing. Allele origin: germline.
Comment: The c.2795G>A (p.S932N) alteration is located in exon 3 (coding exon 2) of the ASH1L gene. This alteration results from a G to A substitution at nucleotide position 2795, causing the serine (S) at amino acid position 932 to be replaced by an asparagine (N). Based on data from gnomAD, the A allele has an overall frequency of <0.001% (1/250942) total alleles studied. The highest observed frequency was 0.001% (1/113284) of European (non-Finnish) alleles. This amino acid position is well conserved in available vertebrate species. This alteration is predicted to be tolerated by in silico analysis. Based on insufficient or conflicting evidence, the clinical significance of this alteration remains unclear.

NM_018489.3(ASH1L):c.2795G>A (p.Ser932Asn)

Gene: ASH1L (ASH1 like histone lysine methyltransferase; minus strand). Cytogenetic location: 1q22.
Variant type: single nucleotide variant.
Coding change: c.2795G>A on transcript NM_018489.3 (MANE Select); coding-DNA position 2795, G replaced by A.
Protein change: p.Ser932Asn; replaces serine 932 with asparagine.
Molecular consequence: missense variant.
Genome position (GRCh38, 1-based): chr1:155,480,075, C>T on the plus strand (G>A on the coding strand, the complement: ASH1L is on the minus strand). VCF-style: chr1-155480075-C-T. GRCh37 (hg19) VCF-style: chr1-155449866-C-T.
Other names: c.2795G>A, p.Ser932Asn (NM_001366177.2); short protein forms S932N.
Identifiers: ClinVar variation 2232671 (VCV002232671.3), dbSNP rs1332208973, ClinGen allele CA342721764.
Genomic context (GRCh38, chr1:155,480,075, plus strand): 5'-TGACTGTCATCTAGGTCATCTGGATCCTGAAGTTGATCCTCGCTCTCAAAGAAATCACTG[C>T]TACTTCTATGGTTGTCACTTTCAGATTCTAGCTTGCTTGGACTTTCAGTGGCAACAAATG-3'
Protein context (NP_060959.2, residues 922-942): LESESDNHRS[Ser932Asn]SDFFESEDQL